The following is an entry in ClinVar:

NC_000007.13:g.(?_151478218)_(151573705_?)dup

Gene: PRKAG2 (protein kinase AMP-activated non-catalytic subunit gamma 2; minus strand). Cytogenetic location: 7q36.1.
Variant type: Duplication.
Identifiers: ClinVar variation 2426279 (VCV002426279.3).

ClinVar aggregate classification (germline): Uncertain significance (1 of 4 stars; one submission).

Conditions:
Lethal congenital glycogen storage disease of heart. Also called: PHOSPHORYLASE KINASE DEFICIENCY OF HEART; GLYCOGEN STORAGE DISEASE OF HEART. Identifiers: Orphanet 439854, MedGen C1849813, MONDO:0009867, OMIM 261740.

Submission:

Labcorp Genetics (formerly Invitae), Labcorp
Classification: Uncertain significance for Lethal congenital glycogen storage disease of heart. Last evaluated: 2022-05-29. Review status: criteria provided, single submitter. Criteria: Invitae Variant Classification Sherloc (09022015). Collection method: clinical testing. Allele origin: germline.
Comment: This variant results in a copy number gain of the genomic region encompassing exon(s) 1-3 of the PRKAG2 gene. This region includes the initiator codon of the gene. This copy number gain extends beyond the assayed region for this gene and therefore may encompass additional genes. As the precise location of this event is unknown, it may be in tandem or it may be located elsewhere in the genome. This variant has not been reported in the literature in individuals affected with PRKAG2-related conditions. In summary, the available evidence is currently insufficient to determine the role of this variant in disease. Therefore, it has been classified as a Variant of Uncertain Significance.